The following is an entry in ClinVar:

NM_000506.5(F2):c.349C>T (p.Arg117Ter)

Gene: F2 (coagulation factor II, thrombin; plus strand). Cytogenetic location: 11p11.2.
Variant type: single nucleotide variant.
Coding change: c.349C>T on transcript NM_000506.5 (MANE Select); coding-DNA position 349, C replaced by T.
Protein change: p.Arg117Ter; replaces arginine 117 with a stop codon.
Molecular consequence: nonsense.
Genome position (GRCh38, 1-based): chr11:46,723,212, C>T. VCF-style: chr11-46723212-C-T. GRCh37 (hg19) VCF-style: chr11-46744762-C-T.
Other names: short protein forms R117*.
Identifiers: ClinVar variation 2957927 (VCV002957927.3), dbSNP rs1202167691, ClinGen allele CA380262235.

ClinVar aggregate classification (germline): Pathogenic (1 of 4 stars; one submission).

Conditions:
Congenital prothrombin deficiency. Also called: Factor II deficiency; HYPOPROTHROMBINEMIA; Inherited hypoprothrombinemia; Congenital factor II deficiency; Inherited prothrombin deficiency; Hereditary factor II deficiency disease. Identifiers: Orphanet 325, MedGen C0272317, MONDO:0013361, OMIM 613679.

Allele frequency attached by ClinVar (database versions not stated): gnomAD exomes 0.00001.
gnomAD v4.1: 4 of 1,613,998 alleles (0.00025%); highest among the groups gnomAD compares: South Asian, 0.0022%; no homozygotes.

Submission:

Labcorp Genetics (formerly Invitae), Labcorp
Classification: Pathogenic for Congenital prothrombin deficiency. Last evaluated: 2023-09-26. Review status: criteria provided, single submitter. Criteria: Invitae Variant Classification Sherloc (09022015). Collection method: clinical testing. Allele origin: germline.
Comment: For these reasons, this variant has been classified as Pathogenic. This sequence change creates a premature translational stop signal (p.Arg117*) in the F2 gene. It is expected to result in an absent or disrupted protein product. Loss-of-function variants in F2 are known to be pathogenic (PMID: 23852823). This variant is present in population databases (no rsID available, gnomAD 0.003%). This variant has not been reported in the literature in individuals affected with F2-related conditions. Algorithms developed to predict the effect of sequence changes on RNA splicing suggest that this variant may disrupt the consensus splice site.

Literature cited by the submitters: PubMed 23852823.